The following is an entry in ClinVar:

Conditions:
Arteriohepatic dysplasia. Also called: Alagille Syndrome. Identifiers: Orphanet 52, MedGen C0085280, MeSH D016738, MONDO:0007318.

Submission:

Gilbert/Spinner Lab, Children's Hospital of Philadelphia
No classification provided (evidence only). Condition: Alagille syndrome. Review status: no classification provided. Collection method: research. Allele origin: not applicable. Functional consequence: functionally_abnormal.
ClinVar note: "not provided" was previously submitted as the classification for the variant. However, the classification appeared to be based only on an observation of functional data so it was converted to no classification on 2025-07-30.

NM_000214.3(JAG1):c.917G>A (p.Cys306Tyr)

Gene: JAG1 (jagged canonical Notch ligand 1; minus strand). Cytogenetic location: 20p12.2.
Variant type: single nucleotide variant.
Coding change: c.917G>A on transcript NM_000214.3 (MANE Select); coding-DNA position 917, G replaced by A.
Protein change: p.Cys306Tyr; replaces cysteine 306 with tyrosine.
Molecular consequence: missense variant.
Genome position (GRCh38, 1-based): chr20:10,652,220, C>T on the plus strand (G>A on the coding strand, the complement: JAG1 is on the minus strand). VCF-style: chr20-10652220-C-T. GRCh37 (hg19) VCF-style: chr20-10632868-C-T.
Other names: short protein forms C306Y.
Identifiers: ClinVar variation 3573185 (VCV003573185.2).